The following is an entry in ClinVar:

ClinVar aggregate classification (germline): Uncertain significance (1 of 4 stars; one submission).

Conditions:
Amyotrophic lateral sclerosis type 1 (ALS1). Also called: AMYOTROPHIC LATERAL SCLEROSIS 1, FAMILIAL. Identifiers: Orphanet 803, MedGen C1862939, MONDO:0007103, OMIM 105400.
Perry syndrome. Also called: PARKINSONISM WITH ALVEOLAR HYPOVENTILATION AND MENTAL DEPRESSION. Identifiers: Orphanet 178509, MedGen C1868594, MONDO:0008201, OMIM 168605.
Neuronopathy, distal hereditary motor, type 7B. Also called: HMN VIIB; NEURONOPATHY, DISTAL HEREDITARY MOTOR, AUTOSOMAL DOMINANT 14; NEURONOPATHY, DISTAL HEREDITARY MOTOR, HARDING TYPE VIIB; NEUROPATHY, DISTAL HEREDITARY MOTOR, HARDING TYPE VIIB; NEUROPATHY, DISTAL HEREDITARY MOTOR, WITH VOCAL CORD PARALYSIS, HARDING TYPE VIIB; LOWER MOTOR NEURON DISEASE, DYNACTIN TYPE. Identifiers: Orphanet 139589, MedGen C1843315, MONDO:0011879, OMIM 607641.

Allele frequency attached by ClinVar (database versions not stated): gnomAD exomes 0.00002.
gnomAD v4.1: 26 of 1,614,110 alleles (0.0016%); highest among the groups gnomAD compares: Non-Finnish European, 0.0019%; no homozygotes.

Submission:

Labcorp Genetics (formerly Invitae), Labcorp
Classification: Uncertain significance for Amyotrophic lateral sclerosis type 1; Neuronopathy, distal hereditary motor, type 7B; Perry syndrome. Last evaluated: 2025-03-15. Review status: criteria provided, single submitter. Criteria: Invitae Variant Classification Sherloc (09022015). Collection method: clinical testing. Allele origin: germline.
Comment: This sequence change replaces asparagine, which is neutral and polar, with serine, which is neutral and polar, at codon 970 of the DCTN1 protein (p.Asn970Ser). This variant is present in population databases (rs568812456, gnomAD 0.003%). This variant has not been reported in the literature in individuals affected with DCTN1-related conditions. ClinVar contains an entry for this variant (Variation ID: 566389). Invitae Evidence Modeling of protein sequence and biophysical properties (such as structural, functional, and spatial information, amino acid conservation, physicochemical variation, residue mobility, and thermodynamic stability) indicates that this missense variant is not expected to disrupt DCTN1 protein function with a negative predictive value of 95%. In summary, the available evidence is currently insufficient to determine the role of this variant in disease. Therefore, it has been classified as a Variant of Uncertain Significance.

NM_004082.5(DCTN1):c.2909A>G (p.Asn970Ser)

Gene: DCTN1 (dynactin subunit 1; minus strand). Cytogenetic location: 2p13.1.
Variant type: single nucleotide variant.
Coding change: c.2909A>G on transcript NM_004082.5 (MANE Select); coding-DNA position 2909, A replaced by G.
Protein change: p.Asn970Ser; replaces asparagine 970 with serine.
Molecular consequence: missense variant. On other transcripts: non-coding transcript variant (1).
Genome position (GRCh38, 1-based): chr2:74,365,635, T>C on the plus strand (A>G on the coding strand, the complement: DCTN1 is on the minus strand). VCF-style: chr2-74365635-T-C. GRCh37 (hg19) VCF-style: chr2-74592762-T-C.
Other names: c.2507A>G, p.Asn836Ser (NM_001135041.3, NM_023019.4); c.2798A>G, p.Asn933Ser (NM_001190836.2); c.2888A>G, p.Asn963Ser (NM_001190837.2); c.2858A>G, p.Asn953Ser (NM_001378991.1); c.2840A>G, p.Asn947Ser (NM_001378992.1); c.2849A>G, p.Asn950Ser (NM_001135040.3); short protein forms N933S, N836S, N970S, N963S, N950S, N947S, N953S.
Identifiers: ClinVar variation 566389 (VCV000566389.9), dbSNP rs568812456, ClinGen allele CA1721675.